The following is an entry in ClinVar:

NM_000018.4(ACADVL):c.138G>A (p.Gln46=)

Genes: ACADVL (acyl-CoA dehydrogenase very long chain; plus strand), LOC130060113 (ATAC-STARR-seq lymphoblastoid silent region 8088; plus strand). Cytogenetic location: 17p13.1.
Variant type: single nucleotide variant.
Coding change: c.138G>A on transcript NM_000018.4 (MANE Select); coding-DNA position 138, G replaced by A.
Protein change: p.Gln46=; no amino-acid change (glutamine 46 retained).
Molecular consequence: synonymous variant. On other transcripts: 5 prime UTR variant (1).
Genome position (GRCh38, 1-based): chr17:7,220,197, G>A. VCF-style: chr17-7220197-G-A. GRCh37 (hg19) VCF-style: chr17-7123516-G-A.
Other names: c.138G>A, p.Gln46= (NM_001033859.3); c.207G>A, p.Gln69= (NM_001270447.2); c.-91G>A (NM_001270448.2).
Identifiers: ClinVar variation 1397245 (VCV001397245.3), dbSNP rs775956800, ClinGen allele CA8337553.
Genomic context (GRCh38, chr17:7,220,197, plus strand): 5'-GCTCCTGGGGCAGCCCCGGCCCGGCCCTGCCCGGCGGCCCTATGCCGGGGGTGCCGCTCA[G>A]GTAAGTCACCGCAGCCTTGGCAAGGGGGTGTGGGAGCGGCGGTCCGCTTCGGCGCCCGCC-3'
Protein context (NP_000009.1, residues 36-56): ARRPYAGGAA[Gln46=]LALDKSDSHP

ClinVar aggregate classification (germline): Uncertain significance (1 of 4 stars; one submission).

Conditions:
Very long chain acyl-CoA dehydrogenase deficiency (ACADVLD). Also called: Very Long-Chain Acyl-Coenzyme A Dehydrogenase Deficiency; VLCAD Deficiency. Identifiers: Orphanet 26793, MedGen C3887523, MONDO:0008723, OMIM 201475.

Allele frequency attached by ClinVar (database versions not stated): gnomAD 0.00003 and 0.00004.
gnomAD v4.1: 24 of 1,532,382 alleles (0.0016%); highest among the groups gnomAD compares: African/African-American, 0.0096%; no homozygotes.

Submission:

Labcorp Genetics (formerly Invitae), Labcorp
Classification: Uncertain significance for Very long chain acyl-CoA dehydrogenase deficiency. Last evaluated: 2022-08-19. Review status: criteria provided, single submitter. Criteria: Invitae Variant Classification Sherloc (09022015). Collection method: clinical testing. Allele origin: germline.
Comment: This sequence change affects codon 46 of the ACADVL mRNA. It is a 'silent' change, meaning that it does not change the encoded amino acid sequence of the ACADVL protein. This variant also falls at the last nucleotide of exon 2, which is part of the consensus splice site for this exon. This variant is present in population databases (rs775956800, gnomAD 0.02%). This variant has not been reported in the literature in individuals affected with ACADVL-related conditions. ClinVar contains an entry for this variant (Variation ID: 1397245). Variants that disrupt the consensus splice site are a relatively common cause of aberrant splicing (PMID: 17576681, 9536098). Algorithms developed to predict the effect of sequence changes on RNA splicing suggest that this variant may create or strengthen a splice site. In summary, the available evidence is currently insufficient to determine the role of this variant in disease. Therefore, it has been classified as a Variant of Uncertain Significance.

Literature cited by the submitters: PubMed 17576681; PubMed 9536098.